The following is an entry in ClinVar:

ClinVar aggregate classification (germline): Conflicting classifications of pathogenicity. Review status: criteria provided, conflicting classifications (1 of 4 stars). 15 submissions from 14 submitters: Uncertain significance (1); Benign (13); Likely benign (1). Last evaluated 2026-02-03.

Conditions:
Cardiovascular phenotype. Identifiers: MedGen CN230736.
Hypobetalipoproteinemia. Identifiers: Orphanet 31154, MedGen C0020597, MONDO:0017774.
Familial hypercholesterolemia. Also called: Familial hypercholesterolemias; Familial hypercholesterolaemia. Identifiers: MedGen C0020445, MONDO:0005439.
Hypercholesterolemia, familial, 1. Also called: LDL RECEPTOR DISORDER; Hyperlipoproteinemia Type IIa; HYPER-LOW-DENSITY-LIPOPROTEINEMIA; HYPERCHOLESTEROLEMIC XANTHOMATOSIS, FAMILIAL; Fredrickson type IIa hyperlipoproteinemia; Hyperlipoproteinemia type 2. Identifiers: Orphanet 391665, MedGen C0745103, MONDO:0007750, OMIM 143890.
Hypercholesterolemia, autosomal dominant, 3 (FHCL3). Also called: Familial Hypercholesterolemia, Autosomal Dominant, 3; Familial hypercholesterolemia 3; PCSK9-Related Familial Hypercholesterolemia, Autosomal Dominant. Identifiers: MedGen C1863551, MONDO:0011369, OMIM 603776.

Allele frequency attached by ClinVar (database versions not stated): gnomAD exomes 0.00229 and 0.00584; ExAC 0.00724; 1000 Genomes Project 0.02137; gnomAD 0.02263 and 0.02435; 1000 Genomes Project 30x 0.02420; ESP Exome Variant Server 0.02507; TOPMed 0.02566.
gnomAD v4.1: 6,970 of 1,613,082 alleles (0.43%); highest among the groups gnomAD compares: African/African-American, 8%; 268 homozygotes.

Submissions (15):

Labcorp Genetics (formerly Invitae), Labcorp
Classification: Benign for Hypercholesterolemia, autosomal dominant, 3. Last evaluated: 2026-02-03. Review status: criteria provided, single submitter. Criteria: Invitae Variant Classification Sherloc (09022015). Collection method: clinical testing. Allele origin: germline.

GENinCode PLC
Classification: Benign for Familial hypercholesterolemia. Last evaluated: 2026-01-28. Review status: criteria provided, single submitter. Criteria: ACMG Guidelines, 2015. Collection method: clinical testing. Allele origin: germline.
Comment: The PCSK9 c.705C>T p.(Ser235=) variant is a synonymous (silent) variant. The GrpMax filtering allele frequency in gnomAD v4.1.1 is 0.07823 in the African/ African American genetic ancestry group. This is higher than our in-house threshold (0.005 for BA1) and therefore meets this criterion and is classified as Benign.

ARUP Laboratories, Molecular Genetics and Genomics, ARUP Laboratories
Classification: Benign. Last evaluated: 2025-05-30. Review status: criteria provided, single submitter. Criteria: ARUP Molecular Germline Variant Investigation Process 2024. Collection method: clinical testing. Allele origin: germline.

Molecular Diagnostic Laboratory for Inherited Cardiovascular Disease, Montreal Heart Institute
Classification: Benign. Last evaluated: 2025-04-09. Review status: criteria provided, single submitter. Criteria: ACMG Guidelines, 2015. Collection method: clinical testing. Allele origin: germline. Affected: no.

Blueprint Genetics
Classification: Likely benign. Last evaluated: 2024-11-25. Review status: criteria provided, single submitter. Criteria: ACMG Guidelines, 2015. Collection method: clinical testing. Allele origin: germline.

All of Us Research Program, National Institutes of Health
Classification: Benign for Hypercholesterolemia, autosomal dominant, 3. Last evaluated: 2024-02-05. Review status: criteria provided, single submitter. Criteria: ACMG Guidelines, 2015. Collection method: clinical testing. Allele origin: germline. Inheritance: Autosomal dominant inheritance. Observed: 1,325 variant alleles, 1,279 heterozygotes, 46 homozygotes.
Comment: This study involves interpretation of variants in research participants for the purpose of population health screening. Participant phenotype was not available at the time of variant classification. Additional details can be found in publication PMID: 35346344, PMCID: PMC8962531

Quest Diagnostics Nichols Institute San Juan Capistrano
Classification: Benign. Last evaluated: 2022-07-29. Review status: criteria provided, single submitter. Criteria: Quest Diagnostics criteria. Collection method: clinical testing. Allele origin: unknown.

Mayo Clinic Laboratories, Mayo Clinic
Classification: Benign. Last evaluated: 2019-04-17. Review status: criteria provided, single submitter. Criteria: ACMG Guidelines, 2015. Collection method: clinical testing. Allele origin: germline. Observed: 18 variant alleles.

Illumina Laboratory Services, Illumina
Classification: Benign for Hypobetalipoproteinemia. Last evaluated: 2018-01-13. Review status: criteria provided, single submitter. Criteria: ICSL Variant Classification Criteria 13 December 2019. Collection method: clinical testing. Allele origin: germline.
Comment: This variant was observed in the ICSL laboratory as part of a predisposition screen in an ostensibly healthy population. It had not been previously curated by ICSL or reported in the Human Gene Mutation Database (HGMD: prior to June 1st, 2018), and was therefore a candidate for classification through an automated scoring system. Utilizing variant allele frequency, disease prevalence and penetrance estimates, and inheritance mode, an automated score was calculated to assess if this variant is too frequent to cause the disease. Based on the score and internal cut-off values, a variant classified as benign is not then subjected to further curation. The score for this variant resulted in a classification of benign for this disease.

Illumina Laboratory Services, Illumina
Classification: Benign for Hypercholesterolemia, autosomal dominant, 3. Last evaluated: 2018-01-13. Review status: criteria provided, single submitter. Criteria: ICSL Variant Classification Criteria 13 December 2019. Collection method: clinical testing. Allele origin: germline.
Comment: the same text as in the submission from Illumina Laboratory Services, Illumina above.

Robarts Research Institute, Western University
Classification: Benign for Hypercholesterolemia, familial, 1. Last evaluated: 2018-01-02. Review status: criteria provided, single submitter. Criteria: ACMG Guidelines, 2015. Collection method: clinical testing. Allele origin: germline. Inheritance: Autosomal dominant inheritance. Affected: yes.

GeneDx
Classification: Benign. Last evaluated: 2017-07-28. Review status: criteria provided, single submitter. Criteria: GeneDx Variant Classification (06012015). Collection method: clinical testing. Allele origin: germline. Affected: yes.
Comment: This variant is considered likely benign or benign based on one or more of the following criteria: it is a conservative change, it occurs at a poorly conserved position in the protein, it is predicted to be benign by multiple in silico algorithms, and/or has population frequency not consistent with disease.

Color Diagnostics, LLC DBA Color Health
Classification: Benign for Familial hypercholesterolemia. Last evaluated: 2017-06-02. Review status: criteria provided, single submitter. Criteria: ACMG Guidelines, 2015. Collection method: clinical testing. Allele origin: germline.

Ambry Genetics
Classification: Benign for Cardiovascular phenotype. Last evaluated: 2016-03-23. Review status: criteria provided, single submitter. Criteria: Ambry Variant Classification Scheme 2023. Collection method: clinical testing. Allele origin: germline.

Cardiovascular Research Group, Instituto Nacional de Saude Doutor Ricardo Jorge
Classification: Uncertain significance for Familial hypercholesterolemia. Last evaluated: 2016-03-01. Review status: criteria provided, single submitter. Criteria: ACMG Guidelines, 2015. Collection method: research. Allele origin: germline. Affected: yes.

NM_174936.4(PCSK9):c.705C>T (p.Ser235=)

Gene: PCSK9 (proprotein convertase subtilisin/kexin type 9; plus strand). Cytogenetic location: 1p32.3.
Variant type: single nucleotide variant.
Coding change: c.705C>T on transcript NM_174936.4 (MANE Select); coding-DNA position 705, C replaced by T.
Protein change: p.Ser235=; no amino-acid change (serine 235 retained).
Molecular consequence: synonymous variant. On other transcripts: non-coding transcript variant (8).
Genome position (GRCh38, 1-based): chr1:55,052,697, C>T. VCF-style: chr1-55052697-C-T. GRCh37 (hg19) VCF-style: chr1-55518370-C-T.
Other names: p.Ser235=; c.828C>T, p.Ser276= (NM_001407240.1); c.705C>T, p.Ser235= (NM_001407241.1, NM_001407244.1, NM_001407247.1); c.708C>T, p.Ser236= (NM_001407242.1); c.648C>T, p.Ser216= (NM_001407243.1); c.513C>T, p.Ser171= (NM_001407245.1); c.330C>T, p.Ser110= (NM_001407246.1).
Identifiers: ClinVar variation 265932 (VCV000265932.33), dbSNP rs7552471, ClinGen allele CA044045.